The following is an entry in ClinVar:

ClinVar aggregate classification (germline): Benign/Likely benign. Review status: criteria provided, multiple submitters, no conflicts (2 of 4 stars). 4 submissions from 4 submitters: Benign (1); Likely benign (3). Last evaluated 2026-07-14.

Conditions:
Rhabdoid tumor predisposition syndrome 2 (RTPS2). Identifiers: Orphanet 231108, Orphanet 69077, MedGen C2750074, MONDO:0013224, OMIM 613325.
Hereditary cancer-predisposing syndrome. Also called: Hereditary Cancer Syndrome; Hereditary neoplastic syndrome; Neoplastic Syndromes, Hereditary; Tumor predisposition. Identifiers: Orphanet 140162, MedGen C0027672, MeSH D009386, MONDO:0015356.

Allele frequency attached by ClinVar (database versions not stated): gnomAD exomes below 0.00001; TOPMed below 0.00001.
gnomAD v4.1: 3 of 1,610,802 alleles (0.00019%); highest among the groups gnomAD compares: South Asian, 0.0011%; no homozygotes.

Submissions (4):

Myriad Genetics, Inc.
Classification: Benign for Rhabdoid tumor predisposition syndrome 2. Last evaluated: 2026-07-14. Review status: criteria provided, single submitter. Criteria: Myriad Autosomal Dominant, Autosomal Recessive and X-Linked Classification Criteria (2023). Collection method: clinical testing. Allele origin: unknown.
Comment: This variant is considered benign. This variant is a silent/synonymous amino acid change and it is not expected to impact splicing.

Ambry Genetics
Classification: Likely benign for Hereditary cancer-predisposing syndrome. Last evaluated: 2026-05-27. Review status: criteria provided, single submitter. Criteria: Ambry Variant Classification Scheme 2023. Collection method: clinical testing. Allele origin: germline.

Blueprint Genetics
Classification: Likely benign. Last evaluated: 2024-05-01. Review status: criteria provided, single submitter. Criteria: ACMG Guidelines, 2015. Collection method: clinical testing. Allele origin: germline.

Labcorp Genetics (formerly Invitae), Labcorp
Classification: Likely benign for Rhabdoid tumor predisposition syndrome 2. Last evaluated: 2020-03-10. Review status: criteria provided, single submitter. Criteria: Invitae Variant Classification Sherloc (09022015). Collection method: clinical testing. Allele origin: germline.

NM_003072.5(SMARCA4):c.2979G>A (p.Glu993=)

Gene: SMARCA4 (SWI/SNF related BAF chromatin remodeling complex subunit ATPase 4; plus strand). Cytogenetic location: 19p13.2.
Variant type: single nucleotide variant.
Coding change: c.2979G>A on transcript NM_003072.5 (MANE Select); coding-DNA position 2979, G replaced by A.
Protein change: p.Glu993=; no amino-acid change (glutamic acid 993 retained).
Molecular consequence: synonymous variant. On other transcripts: non-coding transcript variant (1).
Genome position (GRCh38, 1-based): chr19:11,024,336, G>A. VCF-style: chr19-11024336-G-A. GRCh37 (hg19) VCF-style: chr19-11135012-G-A.
Other names: c.2979G>A, p.Glu993= (NM_001128844.3, NM_001128845.2, NM_001128846.2 and 5 more transcripts); c.2979G>A (NM_001128849.1).
Identifiers: ClinVar variation 1085972 (VCV001085972.12), dbSNP rs2090097829, ClinGen allele CA505490672.